The following is an entry in ClinVar:

ClinVar aggregate classification (germline): Uncertain significance (1 of 4 stars; one submission).

Conditions:
Hereditary breast ovarian cancer syndrome. Also called: Hereditary breast and ovarian cancer syndrome; Hereditary breast and ovarian cancer syndrome (HBOC); BRCA1- and BRCA2-Associated Hereditary Breast and Ovarian Cancer; Hereditary breast and ovarian cancer; Breast and ovarian cancer; Hereditary breast and/or ovarian cancer syndrome. Identifiers: Orphanet 145, MedGen C0677776, MeSH D061325, MONDO:0003582. Disease mechanism: loss of function.

Submission:

Labcorp Genetics (formerly Invitae), Labcorp
Classification: Uncertain significance for Hereditary breast ovarian cancer syndrome. Last evaluated: 2024-05-28. Review status: criteria provided, single submitter. Criteria: Invitae Variant Classification Sherloc (09022015). Collection method: clinical testing. Allele origin: germline.
Comment: This sequence change replaces serine, which is neutral and polar, with isoleucine, which is neutral and non-polar, at codon 1569 of the BRCA1 protein (p.Ser1569Ile). This variant is not present in population databases (gnomAD no frequency). This variant has not been reported in the literature in individuals affected with BRCA1-related conditions. Advanced modeling of protein sequence and biophysical properties (such as structural, functional, and spatial information, amino acid conservation, physicochemical variation, residue mobility, and thermodynamic stability) performed at Invitae indicates that this missense variant is not expected to disrupt BRCA1 protein function with a negative predictive value of 95%. In summary, the available evidence is currently insufficient to determine the role of this variant in disease. Therefore, it has been classified as a Variant of Uncertain Significance.

NM_007294.4(BRCA1):c.4706G>T (p.Ser1569Ile)

Gene: BRCA1 (BRCA1 DNA repair associated; minus strand). Cytogenetic location: 17q21.31.
Variant type: single nucleotide variant.
Coding change: c.4706G>T on transcript NM_007294.4 (MANE Select); coding-DNA position 4706, G replaced by T.
Protein change: p.Ser1569Ile; replaces serine 1569 with isoleucine.
Molecular consequence: missense variant. On other transcripts: intron variant (1).
Genome position (GRCh38, 1-based): chr17:43,071,208, C>A on the plus strand (G>T on the coding strand, the complement: BRCA1 is on the minus strand). VCF-style: chr17-43071208-C-A. GRCh37 (hg19) VCF-style: chr17-41223225-C-A.
Other names: c.1268G>T, p.Ser423Ile (NM_001408447.1, NM_001408448.1, NM_001408450.1 and 2 more transcripts); c.1262G>T, p.Ser421Ile (NM_001408451.1); c.1256G>T, p.Ser419Ile (NM_001408452.1, NM_001408453.1, NM_001408454.1 and 3 more transcripts); c.1253G>T, p.Ser418Ile (NM_001408458.1, NM_001408459.1, NM_001408460.1 and 7 more transcripts); c.4769G>T, p.Ser1590Ile (NM_001407587.1, NM_001407583.1, NM_001407585.1 and 1 more transcripts); c.4766G>T, p.Ser1589Ile (NM_001407590.1, NM_001407591.1); c.4577G>T, p.Ser1526Ile (NM_001407682.1, NM_001407688.1, NM_001407685.1 and 6 more transcripts); c.4706G>T, p.Ser1569Ile (NM_001407684.1, NM_001407593.1, NM_001407594.1 and 8 more transcripts); and 71 more; short protein forms S1440I, S1442I, S1502I, S1527I, S1542I, S1550I, S1565I, S1568I.
Identifiers: ClinVar variation 3634636 (VCV003634636.2).
Genomic context (GRCh38, chr17:43,071,208, plus strand): 5'-CGAGCTGACTCTGGGGCTCTGTCTTCAGAAGGATCAGATTCAGGGTCATCAGAGAAGAGG[C>A]TGATTCCAGATTCCAGGTAAGGGGTTCCCTCTGAAAGGAATGGGAGAAGTTTAATTTACA-3'
Protein context (NP_009225.1, residues 1559-1579): EGTPYLESGI[Ser1569Ile]LFSDDPESDP